The following is an entry in ClinVar:

NM_000883.4(IMPDH1):c.176C>G (p.Thr59Arg)

Gene: IMPDH1 (inosine monophosphate dehydrogenase 1; minus strand). Cytogenetic location: 7q32.1.
Variant type: single nucleotide variant.
Coding change: c.176C>G on transcript NM_000883.4 (MANE Select); coding-DNA position 176, C replaced by G.
Protein change: p.Thr59Arg; replaces threonine 59 with arginine.
Molecular consequence: missense variant. On other transcripts: intron variant (3).
Genome position (GRCh38, 1-based): chr7:128,409,455, G>C on the plus strand (C>G on the coding strand, the complement: IMPDH1 is on the minus strand). VCF-style: chr7-128409455-G-C. GRCh37 (hg19) VCF-style: chr7-128049509-G-C.
Other names: c.176C>G, p.Thr59Arg (NM_001142576.2); c.146+301C>G (NM_001304521.2, NM_183243.3); c.147-89C>G (NM_001102605.2); short protein forms T59R.
Identifiers: ClinVar variation 1402897 (VCV001402897.8), dbSNP rs147250451, ClinGen allele CA369181286.

ClinVar aggregate classification (germline): Uncertain significance (1 of 4 stars; one submission).

Allele frequency attached by ClinVar (database versions not stated): gnomAD 0.00001.

Submission:

Labcorp Genetics (formerly Invitae), Labcorp
Classification: Uncertain significance. Last evaluated: 2025-04-07. Review status: criteria provided, single submitter. Criteria: Invitae Variant Classification Sherloc (09022015). Collection method: clinical testing. Allele origin: germline.
Comment: This sequence change replaces threonine, which is neutral and polar, with arginine, which is basic and polar, at codon 59 of the IMPDH1 protein (p.Thr59Arg). This variant is not present in population databases (gnomAD no frequency). This variant has not been reported in the literature in individuals affected with IMPDH1-related conditions. ClinVar contains an entry for this variant (Variation ID: 1402897). An algorithm developed to predict the effect of missense changes on protein structure and function (PolyPhen-2) suggests that this variant is likely to be tolerated. In summary, the available evidence is currently insufficient to determine the role of this variant in disease. Therefore, it has been classified as a Variant of Uncertain Significance.